The following is an entry in ClinVar:

NM_001378454.1(ALMS1):c.10856A>G (p.Asp3619Gly)

Gene: ALMS1 (ALMS1 centrosome and basal body associated protein; plus strand). Cytogenetic location: 2p13.1.
Variant type: single nucleotide variant.
Coding change: c.10856A>G on transcript NM_001378454.1 (MANE Select); coding-DNA position 10856, A replaced by G.
Protein change: p.Asp3619Gly; replaces aspartic acid 3619 with glycine.
Molecular consequence: missense variant.
Genome position (GRCh38, 1-based): chr2:73,572,733, A>G. VCF-style: chr2-73572733-A-G. GRCh37 (hg19) VCF-style: chr2-73799860-A-G.
Other names: c.10859A>G, p.Asp3620Gly (NM_015120.4); short protein forms D3619G, D3620G.
Identifiers: ClinVar variation 1014983 (VCV001014983.10), dbSNP rs779029779, ClinGen allele CA1715074.

ClinVar aggregate classification (germline): Conflicting classifications of pathogenicity. Review status: criteria provided, conflicting classifications (1 of 4 stars). 6 submissions from 6 submitters: Uncertain significance (3); Likely benign (1). 2 of the submissions do not count toward it. Last evaluated 2026-07-29.

Conditions:
ALMS1-related disorder. Also called: ALMS1-related condition.
Retinal dystrophy. Also called: Inherited retinal dystrophy. Identifiers: Orphanet 71862, MedGen C0854723, MeSH D058499, MONDO:0019118, HP:0000556.
Alstrom syndrome (ALMS). Identifiers: Orphanet 64, MedGen C0268425, MONDO:0008763, OMIM 203800.
Cardiovascular phenotype. Identifiers: MedGen CN230736.

Allele frequency attached by ClinVar (database versions not stated): gnomAD exomes below 0.00001 and 0.00001; ExAC 0.00001.
gnomAD v4.1: 2 of 1,614,102 alleles (0.00012%); highest among the groups gnomAD compares: South Asian, 0.0022%; no homozygotes.

Submissions (6):

PreventionGenetics, part of Exact Sciences
Classification: Uncertain significance for ALMS1-related condition. Last evaluated: 2026-07-29. Review status: criteria provided, single submitter. Criteria: ACMG Guidelines, 2015. Collection method: clinical testing. Allele origin: germline.
Comment: The ALMS1 c.10859A>G variant is predicted to result in the amino acid substitution p.Lys3620Arg. To our knowledge, this variant has not been reported in the literature. This variant is reported in 0.00089% of alleles in individuals of European (Non-Finnish) descent in gnomAD. At this time, the clinical significance of this variant is uncertain due to the absence of conclusive functional and genetic evidence.

GeneDx
Classification: Uncertain significance. Last evaluated: 2025-05-16. Review status: criteria provided, single submitter. Criteria: GeneDx Variant Classification Process June 2021. Collection method: clinical testing. Allele origin: germline. Affected: yes.
Comment: Not observed at significant frequency in large population cohorts (gnomAD); In silico analysis suggests that this missense variant does not alter protein structure/function; Has not been previously published as pathogenic or benign to our knowledge

Ambry Genetics
Classification: Likely benign for Cardiovascular phenotype. Last evaluated: 2025-05-03. Review status: criteria provided, single submitter. Criteria: Ambry Variant Classification Scheme 2023. Collection method: clinical testing. Allele origin: germline.

Labcorp Genetics (formerly Invitae), Labcorp
Classification: Uncertain significance for Alstrom syndrome. Last evaluated: 2022-03-26. Review status: criteria provided, single submitter. Criteria: Invitae Variant Classification Sherloc (09022015). Collection method: clinical testing. Allele origin: germline.
Comment: This sequence change replaces aspartic acid, which is acidic and polar, with glycine, which is neutral and non-polar, at codon 3620 of the ALMS1 protein (p.Asp3620Gly). This variant is present in population databases (rs779029779, gnomAD 0.007%). This variant has not been reported in the literature in individuals affected with ALMS1-related conditions. ClinVar contains an entry for this variant (Variation ID: 1014983). Experimental studies and prediction algorithms are not available or were not evaluated, and the functional significance of this variant is currently unknown. In summary, the available evidence is currently insufficient to determine the role of this variant in disease. Therefore, it has been classified as a Variant of Uncertain Significance.

Institute of Human Genetics, Univ. Regensburg, Univ. Regensburg
Classification: Uncertain significance for Retinal dystrophy. Last evaluated: 2023-01-01. Review status: no assertion criteria provided. Criteria: ACMG Guidelines, 2015. Collection method: clinical testing. Allele origin: germline. Affected: yes. Not counted in ClinVar's aggregate classification.

Natera, Inc.
Classification: Uncertain significance for Alstrom syndrome. Last evaluated: 2021-01-13. Review status: no assertion criteria provided. Collection method: clinical testing. Allele origin: germline. Not counted in ClinVar's aggregate classification.